The following is an entry in ClinVar:

NM_001318510.2(ACSL4):c.224A>C (p.Lys75Thr)

Gene: ACSL4 (acyl-CoA synthetase long chain family member 4; minus strand). Cytogenetic location: Xq23.
Variant type: single nucleotide variant.
Coding change: c.224A>C on transcript NM_001318510.2 (MANE Select); coding-DNA position 224, A replaced by C.
Protein change: p.Lys75Thr; replaces lysine 75 with threonine.
Molecular consequence: missense variant.
Genome position (GRCh38, 1-based): chrX:109,683,140, T>G on the plus strand (A>C on the coding strand, the complement: ACSL4 is on the minus strand). VCF-style: chrX-109683140-T-G. GRCh37 (hg19) VCF-style: chrX-108926369-T-G.
Other names: c.347A>C, p.Lys116Thr (NM_001318509.2, NM_022977.3); c.224A>C, p.Lys75Thr (NM_004458.3); short protein forms K116T, K75T.
Identifiers: ClinVar variation 1308711 (VCV001308711.2), dbSNP rs1368073749, ClinGen allele CA414218854.
Genomic context (GRCh38, chrX:109,683,140, plus strand): 5'-AAAACAAATGTGTCTTCCTCTTTAAAACATAAATGAAAAGCACCAAAATACTTTACCTTC[T>G]TAAAAACTTTTCCATTTGGCTGCATTTCATTTTCTTCACTTAGGATTTCCCTGGTCCCAA-3'
Protein context (NP_001305439.1, residues 65-85): NEMQPNGKVF[Lys75Thr]KLILGNYKWM

ClinVar aggregate classification (germline): Uncertain significance (1 of 4 stars; one submission).

Allele frequency attached by ClinVar (database versions not stated): gnomAD exomes below 0.00001 and 0.00001.
gnomAD v4.1: 1 of 1,209,197 alleles (0.000083%); highest among the groups gnomAD compares: Admixed American, 0.0022%; no homozygotes.

Submission:

GeneDx
Classification: Uncertain significance. Last evaluated: 2020-02-16. Review status: criteria provided, single submitter. Criteria: GeneDx Variant Classification Process June 2021. Collection method: clinical testing. Allele origin: germline. Affected: yes.
Comment: Not observed at a significant frequency in large population cohorts (Lek et al., 2016); In silico analysis supports that this missense variant has a deleterious effect on protein structure/function; Has not been previously published as pathogenic or benign to our knowledge